The following is an entry in ClinVar:

NM_152564.5(VPS13B):c.7732C>T (p.Gln2578Ter)

Gene: VPS13B (vacuolar protein sorting 13 homolog B; plus strand). Cytogenetic location: 8q22.2.
Variant type: single nucleotide variant.
Coding change: c.7732C>T on transcript NM_152564.5 (MANE Select); coding-DNA position 7732, C replaced by T.
Protein change: p.Gln2578Ter; replaces glutamine 2578 with a stop codon.
Molecular consequence: nonsense.
Genome position (GRCh38, 1-based): chr8:99,778,984, C>T. VCF-style: chr8-99778984-C-T. GRCh37 (hg19) VCF-style: chr8-100791212-C-T.
Other names: c.7807C>T, p.Gln2603Ter (NM_017890.5); short protein forms Q2578*, Q2603*.
Identifiers: ClinVar variation 2838572 (VCV002838572.5), dbSNP rs1230710158, ClinGen allele CA371876592.

ClinVar aggregate classification (germline): Pathogenic/Likely pathogenic. Review status: criteria provided, multiple submitters, no conflicts (2 of 4 stars). 3 submissions from 3 submitters: Pathogenic (1); Likely pathogenic (2). Last evaluated 2024-04-06.

Conditions:
Cohen syndrome (COH1). Also called: Cutis verticis gyrata, retinitis pigmentosa, and sensorineural deafness; PEPPER SYNDROME. Identifiers: Orphanet 193, MedGen C0265223, MONDO:0008999, OMIM 216550.

gnomAD v4.1: 1 of 1,613,866 alleles (0.000062%); highest among the groups gnomAD compares: South Asian, 0.0011%; no homozygotes.

Submissions (3):

Fulgent Genetics
Classification: Likely pathogenic for Cohen syndrome. Last evaluated: 2024-04-06. Review status: criteria provided, single submitter. Criteria: ACMG Guidelines, 2015. Collection method: clinical testing. Allele origin: germline.

Natera, Inc.
Classification: Likely pathogenic for Cohen syndrome. Last evaluated: 2024-03-15. Review status: criteria provided, single submitter. Criteria: Natera Variant Classification Schema (03/2026). Collection method: clinical testing. Allele origin: germline.
Comment: The c.7807C>T variant in VPS13B is a nonsense variant predicted to introduce a stop codon at amino acid 2603. This variant is expected to result in nonsense mediated decay, truncation, or a dysfunctional protein product. This variant is rare in the general population with a frequency below the threshold expected for the associated phenotype(s). Given the available evidence, this variant is classified as Likely Pathogenic.

Labcorp Genetics (formerly Invitae), Labcorp
Classification: Pathogenic for Cohen syndrome. Last evaluated: 2023-02-18. Review status: criteria provided, single submitter. Criteria: Invitae Variant Classification Sherloc (09022015). Collection method: clinical testing. Allele origin: germline.
Comment: This variant has not been reported in the literature in individuals affected with VPS13B-related conditions. This variant is present in population databases (no rsID available, gnomAD 0.003%). This sequence change creates a premature translational stop signal (p.Gln2603*) in the VPS13B gene. It is expected to result in an absent or disrupted protein product. Loss-of-function variants in VPS13B are known to be pathogenic (PMID: 15141358, 16648375, 20461111). Algorithms developed to predict the effect of sequence changes on RNA splicing suggest that this variant may disrupt the consensus splice site. For these reasons, this variant has been classified as Pathogenic.

Literature cited by the submitters: PubMed 15141358 (cited by Labcorp Genetics (formerly Invitae), Labcorp); PubMed 16648375 (cited by Labcorp Genetics (formerly Invitae), Labcorp); PubMed 20461111 (cited by Labcorp Genetics (formerly Invitae), Labcorp).